The following is an entry in ClinVar:

NC_000009.11:g.(?_12707977)_(12709182_?)del

Gene: TYRP1 (tyrosinase related protein 1; plus strand). Cytogenetic location: 9p23.
Variant type: Deletion.
Identifiers: ClinVar variation 3245288 (VCV003245288.1).

ClinVar aggregate classification (germline): Pathogenic (1 of 4 stars; one submission).

Submission:

Labcorp Genetics (formerly Invitae), Labcorp
Classification: Pathogenic. Last evaluated: 2023-02-04. Review status: criteria provided, single submitter. Criteria: Invitae Variant Classification Sherloc (09022015). Collection method: clinical testing. Allele origin: unknown.
Comment: This variant is a gross deletion of the genomic region encompassing exon(s) 7-8 of the TYRP1 gene, which includes the termination codon. This deletion extends beyond the assayed region for this gene and therefore may encompass additional genes. While this deletion is not anticipated to lead to nonsense mediated decay, it is expected to alter mRNA translation or result in a truncated protein product. This variant has not been reported in the literature in individuals affected with TYRP1-related conditions. This variant disrupts a region of the TYRP1 protein in which other variant(s) (p.Gly433Glu) have been determined to be pathogenic (Invitae). This suggests that this is a clinically significant region of the protein, and that variants that disrupt it are likely to be disease-causing. For these reasons, this variant has been classified as Pathogenic.